The following is an entry in ClinVar:

NM_000152.5(GAA):c.2109del (p.Arg702_Tyr703insTer)

Gene: GAA (alpha glucosidase; plus strand). Cytogenetic location: 17q25.3.
Variant type: Deletion.
Coding change: c.2109del on transcript NM_000152.5 (MANE Select); coding-DNA position 2109, one base deleted (C; older notation c.2109delC).
Protein change: p.Arg702_Tyr703insTer.
Molecular consequence: nonsense.
Genome position (GRCh38, 1-based): chr17:80,113,286, C deleted. VCF-style (leftmost placement, unchanged base first): chr17-80113285-AC-A. GRCh37 (hg19) VCF-style: chr17-78087084-AC-A.
Other names: c.2109del, p.Arg702_Tyr703insTer (NM_001079803.3, NM_001079804.3, NM_001406741.1 and 1 more transcripts).
Identifiers: ClinVar variation 4876343 (VCV004876343.1).
Genomic context (GRCh38, chr17:80,113,285, plus strand): 5'-AGCCGTACAGCTTCAGCGAGCCGGCCCAGCAGGCCATGAGGAAGGCCCTCACCCTGCGCT[AC>A]GCACTCCTCCCCCACCTCTACACACTGTTCCACCAGGCCCACGTCGCGGGGGAGACCGTG-3'

ClinVar aggregate classification (germline): Likely pathogenic (1 of 4 stars; one submission).

Conditions:
Glycogen storage disease, type II (IOPD). Also called: Pompe Disease; CARDIOMEGALIA GLYCOGENICA DIFFUSA; GLYCOGENOSIS, GENERALIZED, CARDIAC FORM; GSD II; POMPE DISEASE, INFANTILE-ONSET; GLYCOGEN STORAGE DISEASE II, INFANTILE-ONSET. Identifiers: Orphanet 365, MedGen C0017921, MONDO:0009290, OMIM 232300.

Submission:

Genomenon, Inc
Classification: Likely pathogenic for Glycogen storage disease, type II. Last evaluated: 2026-07-01. Review status: criteria provided, single submitter. Criteria: Genomenon Sequence Variant Interpretation Standards - Updated. Collection method: curation. Allele origin: germline. Affected: no.
Comment: GAA p.Tyr703Ter (c.2109del) is a nonsense variant that introduces a premature stop codon at amino acid position 703 and is predicted to result in a truncated or absent protein product. This variant has been reported in the published literature (PMID:31342611;30155607;33560568). It is absent or not present at a significant frequency in gnomAD. In conclusion, we classify GAA p.Tyr703Ter (c.2109del) as a likely pathogenic variant.

Literature cited by the submitters: PubMed 31342611; PubMed 30155607; PubMed 33560568.